The following is an entry in ClinVar:

ClinVar aggregate classification (germline): Likely benign. Review status: criteria provided, multiple submitters, no conflicts (2 of 4 stars). 3 submissions from 3 submitters: Likely benign (2). 1 of the submissions does not count toward it. Last evaluated 2025-06-22.

Conditions:
LAMA1-related disorder. Also called: LAMA1-related disorders; LAMA1-related condition.

Allele frequency attached by ClinVar (database versions not stated): ExAC 0.00011; gnomAD 0.00025; 1000 Genomes Project 30x 0.00031; ESP Exome Variant Server 0.00031; TOPMed 0.00032; 1000 Genomes Project 0.00040.
gnomAD v4.1: 101 of 1,614,194 alleles (0.0063%); highest among the groups gnomAD compares: African/African-American, 0.095%; 1 homozygote.

Submissions (3):

Labcorp Genetics (formerly Invitae), Labcorp
Classification: Likely benign. Last evaluated: 2025-06-22. Review status: criteria provided, single submitter. Criteria: Invitae Variant Classification Sherloc (09022015). Collection method: clinical testing. Allele origin: germline.

Blueprint Genetics
Classification: Likely benign. Last evaluated: 2023-04-27. Review status: criteria provided, single submitter. Criteria: ACMG Guidelines, 2015. Collection method: clinical testing. Allele origin: germline.

PreventionGenetics, part of Exact Sciences
Classification: Likely benign for LAMA1-related condition. Last evaluated: 2020-09-21. Review status: no assertion criteria provided. Collection method: clinical testing. Allele origin: germline. Not counted in ClinVar's aggregate classification.
Comment: This variant is classified as likely benign based on ACMG/AMP sequence variant interpretation guidelines (Richards et al. 2015 PMID: 25741868, with internal and published modifications).

NM_005559.4(LAMA1):c.1797G>A (p.Thr599=)

Gene: LAMA1 (laminin subunit alpha 1; minus strand). Cytogenetic location: 18p11.31.
Variant type: single nucleotide variant.
Coding change: c.1797G>A on transcript NM_005559.4 (MANE Select); coding-DNA position 1797, G replaced by A.
Protein change: p.Thr599=; no amino-acid change (threonine 599 retained).
Molecular consequence: synonymous variant.
Genome position (GRCh38, 1-based): chr18:7,036,029, C>T on the plus strand (G>A on the coding strand, the complement: LAMA1 is on the minus strand). VCF-style: chr18-7036029-C-T. GRCh37 (hg19) VCF-style: chr18-7036028-C-T.
Other names: c.1797G>A (NM_005559.3).
Identifiers: ClinVar variation 2180474 (VCV002180474.7), dbSNP rs143137367, ClinGen allele CA8882864.